The following is an entry in ClinVar:

ClinVar aggregate classification (germline): Conflicting classifications of pathogenicity. Review status: criteria provided, conflicting classifications (1 of 4 stars). 4 submissions from 4 submitters: Uncertain significance (3); Benign (1). Last evaluated 2025-12-09.

Conditions:
Tuberous sclerosis 2 (TSC2). Identifiers: Orphanet 805, MedGen C1860707, MONDO:0013199, OMIM 613254.
Lymphangiomyomatosis (LAM). Also called: Lymphangioleiomyomatosis; Lymphangioleiomyomatosis, somatic. Identifiers: Orphanet 538, MedGen C0751674, MONDO:0011705, OMIM 606690.
Isolated focal cortical dysplasia type II (FCORD2). Also called: Focal cortical dysplasia type II; CORTICAL DYSPLASIA OF TAYLOR. Identifiers: Orphanet 268994, MedGen C1846385, MONDO:0011818, OMIM 607341, HP:0032051.
Hereditary cancer-predisposing syndrome. Also called: Hereditary Cancer Syndrome; Tumor predisposition; Neoplastic Syndromes, Hereditary; Hereditary neoplastic syndrome. Identifiers: Orphanet 140162, MedGen C0027672, MeSH D009386, MONDO:0015356.

Allele frequency attached by ClinVar (database versions not stated): gnomAD exomes below 0.00001; TOPMed below 0.00001; gnomAD 0.00001.
gnomAD v4.1: 3 of 1,611,234 alleles (0.00019%); highest among the groups gnomAD compares: Non-Finnish European, 0.00025%; no homozygotes.

Submissions (4):

Labcorp Genetics (formerly Invitae), Labcorp
Classification: Benign for Tuberous sclerosis 2. Last evaluated: 2025-12-09. Review status: criteria provided, single submitter. Criteria: Invitae Variant Classification Sherloc (09022015). Collection method: clinical testing. Allele origin: germline.

Fulgent Genetics
Classification: Uncertain significance for Lymphangiomyomatosis; Isolated focal cortical dysplasia type II; Tuberous sclerosis 2. Last evaluated: 2024-05-03. Review status: criteria provided, single submitter. Criteria: ACMG Guidelines, 2015. Collection method: clinical testing. Allele origin: germline.

Ambry Genetics
Classification: Uncertain significance for Hereditary cancer-predisposing syndrome. Last evaluated: 2023-10-15. Review status: criteria provided, single submitter. Criteria: Ambry Variant Classification Scheme 2023. Collection method: clinical testing. Allele origin: germline.
Comment: The p.N425Y variant (also known as c.1273A>T), located in coding exon 12 of the TSC2 gene, results from an A to T substitution at nucleotide position 1273. The asparagine at codon 425 is replaced by tyrosine, an amino acid with dissimilar properties. This amino acid position is conserved. In addition, the in silico prediction for this alteration is inconclusive. Since supporting evidence is limited at this time, the clinical significance of this alteration remains unclear.

GeneDx
Classification: Uncertain significance. Last evaluated: 2023-03-27. Review status: criteria provided, single submitter. Criteria: GeneDx Variant Classification Process June 2021. Collection method: clinical testing. Allele origin: germline. Affected: yes.
Comment: Not observed at significant frequency in large population cohorts (gnomAD); In silico analysis supports that this missense variant has a deleterious effect on protein structure/function; Has not been previously published as pathogenic or benign to our knowledge

NM_000548.5(TSC2):c.1273A>T (p.Asn425Tyr)

Gene: TSC2 (TSC complex subunit 2; plus strand). Cytogenetic location: 16p13.3.
Variant type: single nucleotide variant.
Coding change: c.1273A>T on transcript NM_000548.5 (MANE Select); coding-DNA position 1273, A replaced by T.
Protein change: p.Asn425Tyr; replaces asparagine 425 with tyrosine.
Molecular consequence: missense variant.
Genome position (GRCh38, 1-based): chr16:2,062,512, A>T. VCF-style: chr16-2062512-A-T. GRCh37 (hg19) VCF-style: chr16-2112513-A-T.
Other names: c.1273A>T, p.Asn425Tyr (NM_001077183.3, NM_001114382.3, NM_001363528.2 and 3 more transcripts); c.1162A>T, p.Asn388Tyr (NM_001318827.2); c.1126A>T, p.Asn376Tyr (NM_001318829.2); c.673A>T, p.Asn225Tyr (NM_001318831.2); c.1306A>T, p.Asn436Tyr (NM_001318832.2); short protein forms N225Y, N376Y, N436Y, N388Y, N425Y.
Identifiers: ClinVar variation 649712 (VCV000649712.11), dbSNP rs1186443300, ClinGen allele CA394321904.